The following is an entry in ClinVar:

NM_016277.5(RAB23):c.549A>G (p.Leu183=)

Gene: RAB23 (RAB23, member RAS oncogene family; minus strand). Cytogenetic location: 6p12.1.
Variant type: single nucleotide variant.
Coding change: c.549A>G on transcript NM_016277.5 (MANE Select); coding-DNA position 549, A replaced by G.
Protein change: p.Leu183=; no amino-acid change (leucine 183 retained).
Molecular consequence: synonymous variant. On other transcripts: non-coding transcript variant (1).
Genome position (GRCh38, 1-based): chr6:57,193,867, T>C on the plus strand (A>G on the coding strand, the complement: RAB23 is on the minus strand). VCF-style: chr6-57193867-T-C. GRCh37 (hg19) VCF-style: chr6-57058665-T-C.
Other names: c.549A>G, p.Leu183= (NM_001278666.2, NM_001278667.2, NM_001278668.2 and 1 more transcripts); c.549A>G (NM_183227.2).
Identifiers: ClinVar variation 1576015 (VCV001576015.9), dbSNP rs2127997659, ClinGen allele CA450630912.
Genomic context (GRCh38, chr6:57,193,867, plus strand): 5'-AAGTAAACATGGGCTAAAATTTCCTATGTACTTACCAATCTTGTTACTACTTGAATGCGT[T>C]AGTTCTGGATCCTCAGCTATTTGTTGTTTGAGTTTCTGAAGGTATTTTTCAGCCAAATAC-3'
Protein context (NP_057361.3, residues 173-193): LKQQIAEDPE[Leu183=]THSSSNKIGV

ClinVar aggregate classification (germline): Likely benign. Review status: criteria provided, multiple submitters, no conflicts (2 of 4 stars). 2 submissions from 2 submitters: Likely benign (2). Last evaluated 2026-08-21.

Conditions:
RAB23-related disorder. Also called: RAB23-related condition.
Carpenter syndrome. Identifiers: Orphanet 65759, MedGen C1275078, MONDO:0019012.

Allele frequency attached by ClinVar (database versions not stated): gnomAD exomes below 0.00001.
gnomAD v4.1: 2 of 1,613,052 alleles (0.00012%); highest among the groups gnomAD compares: Non-Finnish European, 0.00017%; no homozygotes.

Submissions (2):

PreventionGenetics, part of Exact Sciences
Classification: Likely benign for RAB23-related condition. Last evaluated: 2026-08-21. Review status: criteria provided, single submitter. Criteria: ACMG Guidelines, 2015. Collection method: clinical testing. Allele origin: germline.
Comment: This variant is classified as likely benign based on ACMG/AMP sequence variant interpretation guidelines (Richards et al. 2015 PMID: 25741868, with internal and published modifications).

Labcorp Genetics (formerly Invitae), Labcorp
Classification: Likely benign for Carpenter syndrome. Last evaluated: 2022-07-16. Review status: criteria provided, single submitter. Criteria: Invitae Variant Classification Sherloc (09022015). Collection method: clinical testing. Allele origin: germline.